The following is an entry in ClinVar:

ClinVar aggregate classification (germline): Uncertain significance. Review status: criteria provided, multiple submitters, no conflicts (2 of 4 stars). 2 submissions from 2 submitters: Uncertain significance (2). Last evaluated 2023-11-22.

Submissions (2):

Labcorp Genetics (formerly Invitae), Labcorp
Classification: Uncertain significance. Last evaluated: 2023-11-22. Review status: criteria provided, single submitter. Criteria: Invitae Variant Classification Sherloc (09022015). Collection method: clinical testing. Allele origin: germline.
Comment: This sequence change replaces histidine, which is basic and polar, with arginine, which is basic and polar, at codon 134 of the RINT1 protein (p.His134Arg). This variant is not present in population databases (gnomAD no frequency). This variant has not been reported in the literature in individuals affected with RINT1-related conditions. ClinVar contains an entry for this variant (Variation ID: 640813). An algorithm developed to predict the effect of missense changes on protein structure and function (PolyPhen-2) suggests that this variant is likely to be disruptive. In summary, the available evidence is currently insufficient to determine the role of this variant in disease. Therefore, it has been classified as a Variant of Uncertain Significance.

Ambry Genetics
Classification: Uncertain significance. Last evaluated: 2020-12-18. Review status: criteria provided, single submitter. Criteria: Ambry Variant Classification Scheme 2023. Collection method: clinical testing. Allele origin: germline.
Comment: The p.H134R variant (also known as c.401A>G), located in coding exon 4 of the RINT1 gene, results from an A to G substitution at nucleotide position 401. The histidine at codon 134 is replaced by arginine, an amino acid with highly similar properties. This amino acid position is highly conserved in available vertebrate species. In addition, this alteration is predicted to be tolerated by in silico analysis. Since supporting evidence is limited at this time, the clinical significance of this alteration remains unclear.

NM_021930.6(RINT1):c.401A>G (p.His134Arg)

Gene: RINT1 (RAD50 interactor 1; plus strand). Cytogenetic location: 7q22.3.
Variant type: single nucleotide variant.
Coding change: c.401A>G on transcript NM_021930.6 (MANE Select); coding-DNA position 401, A replaced by G.
Protein change: p.His134Arg; replaces histidine 134 with arginine.
Molecular consequence: missense variant. On other transcripts: 5 prime UTR variant (3), non-coding transcript variant (1).
Genome position (GRCh38, 1-based): chr7:105,542,535, A>G. VCF-style: chr7-105542535-A-G. GRCh37 (hg19) VCF-style: chr7-105182982-A-G.
Other names: c.167A>G, p.His56Arg (NM_001346599.2); c.-619A>G (NM_001346600.2); c.-522A>G (NM_001346601.2); c.-142A>G (NM_001346603.2); short protein forms H134R, H56R.
Identifiers: ClinVar variation 640813 (VCV000640813.11), dbSNP rs1586226797, ClinGen allele CA368803443.
Genomic context (GRCh38, chr7:105,542,535, plus strand): 5'-AGCAATTTCTTAATCAGTTTCTGGAGCAGGAAACTCATCTCTTCAGCGCCATTAACAGCC[A>G]TTTGCTGACTGCGCAACCTTGGATGGACGATCTTGGAACCATGATTAGCCAGATTGAAGA-3'
Protein context (NP_068749.3, residues 124-144): ETHLFSAINS[His134Arg]LLTAQPWMDD